The following is an entry in ClinVar:

NM_001367479.1(DNAH14):c.1769-2A>T

Gene: DNAH14 (dynein axonemal heavy chain 14; plus strand). Cytogenetic location: 1q42.12.
Variant type: single nucleotide variant.
Coding change: c.1769-2A>T on transcript NM_001367479.1 (MANE Select); the canonical splice acceptor site of the intron before coding-DNA position 1769, A replaced by T.
Molecular consequence: splice acceptor variant.
Genome position (GRCh38, 1-based): chr1:225,043,742, A>T. VCF-style: chr1-225043742-A-T. GRCh37 (hg19) VCF-style: chr1-225231444-A-T.
Identifiers: ClinVar variation 3367840 (VCV003367840.2).

ClinVar aggregate classification (germline): Uncertain significance (1 of 4 stars; one submission).

gnomAD v4.1: 4 of 1,457,984 alleles (0.00027%); highest among the groups gnomAD compares: African/African-American, 0.0042%; no homozygotes.

Submission:

GeneDx
Classification: Uncertain significance. Last evaluated: 2026-08-22. Review status: criteria provided, single submitter. Criteria: GeneDx Variant Classification Process June 2021. Collection method: clinical testing. Allele origin: germline.
Comment: Canonical splice site variant in a gene or region of a gene for which loss of function is not a well-established mechanism of disease; Has not been previously published as pathogenic or benign to our knowledge; Not observed at significant frequency in large population cohorts (gnomAD)